The following is an entry in ClinVar:

ClinVar aggregate classification (germline): Uncertain significance (1 of 4 stars; one submission).

Allele frequency attached by ClinVar (database versions not stated): gnomAD exomes 0.00002.
gnomAD v4.1: 24 of 1,608,474 alleles (0.0015%); highest among the groups gnomAD compares: South Asian, 0.0022%; no homozygotes.

Submission:

Labcorp Genetics (formerly Invitae), Labcorp
Classification: Uncertain significance. Last evaluated: 2026-01-05. Review status: criteria provided, single submitter. Criteria: Invitae Variant Classification Sherloc (09022015). Collection method: clinical testing. Allele origin: germline.
Comment: This sequence change replaces arginine, which is basic and polar, with glutamine, which is neutral and polar, at codon 544 of the TAOK2 protein (p.Arg544Gln). The frequency data for this variant in the population databases is considered unreliable, as metrics indicate poor data quality at this position in the gnomAD database. This variant has not been reported in the literature in individuals affected with TAOK2-related conditions. ClinVar contains an entry for this variant (Variation ID: 2878421). An algorithm developed to predict the effect of missense changes on protein structure and function (PolyPhen-2) suggests that this variant is likely to be tolerated. In summary, the available evidence is currently insufficient to determine the role of this variant in disease. Therefore, it has been classified as a Variant of Uncertain Significance.

NM_016151.4(TAOK2):c.1631G>A (p.Arg544Gln)

Gene: TAOK2 (TAO kinase 2; plus strand). Cytogenetic location: 16p11.2.
Variant type: single nucleotide variant.
Coding change: c.1631G>A on transcript NM_016151.4 (MANE Select); coding-DNA position 1631, G replaced by A.
Protein change: p.Arg544Gln; replaces arginine 544 with glutamine.
Molecular consequence: missense variant.
Genome position (GRCh38, 1-based): chr16:29,985,421, G>A. VCF-style: chr16-29985421-G-A. GRCh37 (hg19) VCF-style: chr16-29996742-G-A.
Other names: c.1631G>A, p.Arg544Gln (NM_001252043.2, NM_004783.4); short protein forms R544Q.
Identifiers: ClinVar variation 2878421 (VCV002878421.3), dbSNP rs771339219, ClinGen allele CA280397266.